The following is an entry in ClinVar:

NM_000500.9(CYP21A2):c.738G>A (p.Lys246=)

Genes: CYP21A2 (cytochrome P450 family 21 subfamily A member 2; plus strand), LOC106780800 (CYP21A2 recombination region; plus strand). Cytogenetic location: 6p21.33.
Variant type: single nucleotide variant.
Coding change: c.738G>A on transcript NM_000500.9 (MANE Select); coding-DNA position 738, G replaced by A.
Protein change: p.Lys246=; no amino-acid change (lysine 246 retained).
Molecular consequence: synonymous variant.
Genome position (GRCh38, 1-based): chr6:32,039,835, G>A. VCF-style: chr6-32039835-G-A. GRCh37 (hg19) VCF-style: chr6-32007612-G-A.
Other names: p.Glu246=; c.648G>A, p.Lys216= (NM_001128590.4); c.333G>A, p.Lys111= (NM_001368143.2, NM_001368144.2).
Identifiers: ClinVar variation 1345042 (VCV001345042.2), dbSNP rs1441177352, ClinGen allele CA449818680.

ClinVar aggregate classification (germline): Uncertain significance (1 of 4 stars; one submission).

Conditions:
21-Hydroxylase-Deficient Congenital Adrenal Hyperplasia. Also called: ADRENAL HYPERPLASIA, CONGENITAL, DUE TO 21-HYDROXYLASE DEFICIENCY; ADRENAL HYPERPLASIA III. Identifiers: MedGen C2936858, OMIM 201910.

gnomAD v4.1: 1 of 1,613,652 alleles (0.000062%); no homozygotes.

Submission:

Institute of Medical Genetics and Genomics, Sir Ganga Ram Hospital
Classification: Uncertain significance for 21-Hydroxylase-Deficient Congenital Adrenal Hyperplasia. Last evaluated: 2021-03-10. Review status: criteria provided, single submitter. Criteria: ACMG Guidelines, 2015. Collection method: clinical testing. Allele origin: germline. Affected: no. Observed: 2 variant alleles.
Comment: This couple is carrier of c.738G>A variant. Their two children died who had high index of suspicion for CAH.

Literature cited by the submitters: PubMed 23359698; PubMed 33552137; PubMed 30611409; PubMed 29035424.